The following is an entry in ClinVar:

ClinVar aggregate classification (germline): Pathogenic/Likely pathogenic. Review status: criteria provided, multiple submitters, no conflicts (2 of 4 stars). 15 submissions from 15 submitters: Pathogenic (10); Likely pathogenic (2). 3 of the submissions do not count toward it. Last evaluated 2024-09-21.

Conditions:
Neurodevelopmental disorder. Identifiers: MedGen C1535926, MeSH D065886, MONDO:0700092.
Inborn genetic diseases. Identifiers: MedGen C0950123, MeSH D030342.
Intellectual disability-microcephaly-strabismus-behavioral abnormalities syndrome. Also called: White-Sutton Syndrome. Identifiers: Orphanet 468678, MedGen C4225351, MONDO:0014606, OMIM 616364.
POGZ-related disorder. Also called: POGZ-related condition.

Submissions (15):

Victorian Clinical Genetics Services, Murdoch Childrens Research Institute
Classification: Pathogenic for Intellectual disability-microcephaly-strabismus-behavioral abnormalities syndrome. Last evaluated: 2024-09-21. Review status: criteria provided, single submitter. Criteria: ACMG Guidelines, 2015. Collection method: clinical testing. Allele origin: germline. Inheritance: Autosomal dominant inheritance. Affected: yes.
Comment: Based on the classification scheme VCGS_Germline_v1.3.4, this variant is classified as Pathogenic. Following criteria are met: 0102 - Loss of function is a known mechanism of disease in this gene and is associated with White-Sutton syndrome (MIM#616364). (I) 0107 - This gene is associated with autosomal dominant disease. (I) 0205 - Variant is predicted to result in a truncated protein (premature termination codon is NOT located at least 54 nucleotides upstream of the final exon-exon junction) with less than 1/3 of the protein sequence affected. (SP) 0251 - This variant is heterozygous. (I) 0301 - Variant is absent from gnomAD (both v2 and v3). (SP) 0701 - Other protein truncating variants comparable to the one identified in this case have very strong previous evidence for pathogenicity (DECIPHER). (SP) 0801 - This variant has strong previous evidence of pathogenicity in unrelated individuals. This variant has been reported multiple times as pathogenic, where a majority of individuals were de novo. A single case was reported to be maternally inherited, with limited clinical information provided for the mother (ClinVar, DECIPHER). (I) Legend: (SP) - Supporting pathogenic, (I) - Information, (SB) - Supporting benign

CeGaT Center for Human Genetics Tuebingen
Classification: Pathogenic. Last evaluated: 2023-11-01. Review status: criteria provided, single submitter. Criteria: CeGaT Center For Human Genetics Tuebingen Variant Classification Criteria Version 2. Collection method: clinical testing. Allele origin: germline. Affected: yes. Observed: 1 variant allele.
Comment: POGZ: PS2, PVS1:Strong, PM2, PS4:Moderate

HudsonAlpha Institute for Biotechnology
Classification: Pathogenic for Intellectual disability-microcephaly-strabismus-behavioral abnormalities syndrome. Last evaluated: 2023-10-31. Review status: criteria provided, single submitter. Criteria: ACMG Guidelines, 2015. Collection method: research. Allele origin: de novo. Affected: yes. Observed: 1 variant allele. Study: UCC-HudsonAlpha.

Genome-Nilou Lab
Classification: Likely pathogenic for Intellectual disability-microcephaly-strabismus-behavioral abnormalities syndrome. Last evaluated: 2023-04-11. Review status: criteria provided, single submitter. Criteria: ACMG Guidelines, 2015. Collection method: clinical testing. Allele origin: germline. Affected: no.

3billion
Classification: Pathogenic for Intellectual disability-microcephaly-strabismus-behavioral abnormalities syndrome. Last evaluated: 2022-09-01. Review status: criteria provided, single submitter. Criteria: ACMG Guidelines, 2015. Collection method: clinical testing. Allele origin: germline. Affected: yes. Observed: 1 heterozygote.
Comment: The variant is not observed in the gnomAD v2.1.1 dataset. Frameshift variant is predicted to result in a loss or disruption of normal protein function through protein truncation. Multiple pathogenic variants are reported in the predicted truncated region. The variant has been reported at least twice as pathogenic with clinical assertions and evidence for the classification (ClinVar ID: VCV000224726 / PMID: 26942287). Therefore, this variant is classified as Pathogenic according to the recommendation of ACMG/AMP guideline.

MGZ Medical Genetics Center
Classification: Pathogenic for Intellectual disability-microcephaly-strabismus-behavioral abnormalities syndrome. Last evaluated: 2022-06-29. Review status: criteria provided, single submitter. Criteria: ACMG Guidelines, 2015. Collection method: clinical testing. Allele origin: germline. Affected: yes. Observed: 1 variant allele.
Comment: ACMG criteria applied: PVS1_STR, PS2, PS4_MOD, PM2_SUP

GeneDx
Classification: Pathogenic. Last evaluated: 2022-04-08. Review status: criteria provided, single submitter. Criteria: GeneDx Variant Classification Process June 2021. Collection method: clinical testing. Allele origin: germline. Affected: yes.
Comment: Frameshift variant predicted to result in protein truncation, as the last 257 amino acids are replaced with 3 different amino acids, and other loss-of-function variants have been reported downstream in HGMD; Not observed at significant frequency in large population cohorts (gnomAD); This variant is associated with the following publications: (PMID: 26942287, 31981491, 31452935, 34215294, 31136090, 31782611)

Fulgent Genetics
Classification: Pathogenic for Intellectual disability-microcephaly-strabismus-behavioral abnormalities syndrome. Last evaluated: 2022-01-06. Review status: criteria provided, single submitter. Criteria: ACMG Guidelines, 2015. Collection method: clinical testing. Allele origin: unknown.

Laboratory of Molecular Genetics (Pr. Bezieau's lab), CHU de Nantes
Classification: Pathogenic for Neurodevelopmental disorder. Last evaluated: 2021-12-14. Review status: criteria provided, single submitter. Criteria: ACMG Guidelines, 2015. Collection method: clinical testing. Allele origin: germline. Affected: yes.

Equipe Genetique des Anomalies du Developpement, Université de Bourgogne
Classification: Pathogenic for Intellectual disability-microcephaly-strabismus-behavioral abnormalities syndrome. Last evaluated: 2021-10-28. Review status: criteria provided, single submitter. Criteria: ACMG Guidelines, 2015. Collection method: clinical testing. Allele origin: maternal. Affected: yes.

Ambry Genetics
Classification: Likely pathogenic for Inborn genetic diseases. Last evaluated: 2019-08-28. Review status: criteria provided, single submitter. Criteria: Ambry Variant Classification Scheme 2023. Collection method: clinical testing. Allele origin: germline.
Comment: The c.3456_3457delAG variant, located in coding exon 18 of the POGZ gene, results from a deletion of two nucleotides at nucleotide positions 3456 to 3457, causing a translational frameshift with a predicted alternate stop codon (p.E1154Tfs*4). This alteration was detected as de novo occurrences in two individuals with intellectual disability and developmental delay (Stessman HAF et al. Am. J. Hum. Genet., 2016 Mar;98:541-552). This amino acid position is highly conserved in available vertebrate species. This alteration is expected to result in loss of function by premature protein truncation. As such, this alteration is interpreted as a likely pathogenic variant.

Labcorp Genetics (formerly Invitae), Labcorp
Classification: Pathogenic. Last evaluated: 2018-07-17. Review status: criteria provided, single submitter. Criteria: Invitae Variant Classification Sherloc (09022015). Collection method: clinical testing. Allele origin: germline.
Comment: This variant is not present in population databases (ExAC no frequency). For these reasons, this variant has been classified as Pathogenic. This variant has been observed to be de novo in individuals affected with POGZ-related conditions (PMID: 26942287). ClinVar contains an entry for this variant (Variation ID: 224726). This sequence change results in a premature translational stop signal in the POGZ gene (p.Glu1154Thrfs*4). While this is not anticipated to result in nonsense mediated decay, it is expected to disrupt the last¬†257¬†amino acids of the POGZ protein.

PreventionGenetics, part of Exact Sciences
Classification: Pathogenic for POGZ-related condition. Last evaluated: 2024-06-26. Review status: no assertion criteria provided. Collection method: clinical testing. Allele origin: germline. Not counted in ClinVar's aggregate classification.
Comment: The POGZ c.3456_3457delAG variant is predicted to result in a frameshift and premature protein termination (p.Glu1154Thrfs*4). This variant was reported as a recurrent de novo event in individuals with White-Sutton syndrome (see, for example, Stessman et al. 2016. PubMed ID: 26942287; Assia Batzir et al. 2019. PubMed ID: 31782611). This variant has not been reported in a large population database, indicating this variant is rare. Frameshift variants in POGZ are expected to be pathogenic. This variant is interpreted as pathogenic.

OMIM
Classification: Pathogenic for WHITE-SUTTON SYNDROME. Last evaluated: 2022-03-29. Review status: no assertion criteria provided. Collection method: literature only. Allele origin: germline. Not counted in ClinVar's aggregate classification.

GeneReviews
No classification provided. Condition: Intellectual disability-microcephaly-strabismus-behavioral abnormalities syndrome. Review status: no classification provided. Collection method: literature only. Allele origin: germline. Not counted in ClinVar's aggregate classification.
Comment: Recurrent variant

Literature cited by the submitters: PubMed 26942287 (cited by 5 submitters); PubMed 31782611 (cited by GeneReviews); PubMed 31981491 (cited by GeneReviews).

NM_015100.4(POGZ):c.3456_3457del (p.Glu1154fs)

Gene: POGZ (pogo transposable element derived with ZNF domain; minus strand). Cytogenetic location: 1q21.3.
Variant type: Deletion.
Coding change: c.3456_3457del on transcript NM_015100.4 (MANE Select); coding-DNA positions 3456 to 3457, 2 bases deleted (AG; older notation c.3456_3457delAG).
Protein change: p.Glu1154fs; shifts the reading frame from glutamic acid 1154.
Molecular consequence: frameshift variant.
Genome position (GRCh38, 1-based): chr1:151,405,578-151,405,579, CT deleted on the plus strand (AG on the coding strand, the reverse complement: POGZ is on the minus strand). VCF-style (leftmost placement, unchanged base first): chr1-151405577-CCT-C. GRCh37 (hg19) VCF-style: chr1-151378053-CCT-C.
Other names: c.3429_3430del, p.Glu1145fs (NM_001194937.2); c.3270_3271del, p.Glu1092fs (NM_001194938.2); c.3171_3172del, p.Glu1059fs (NM_145796.4); c.3297_3298del, p.Glu1101fs (NM_207171.2); short protein forms E1145fs, E1154fs, E1059fs, E1092fs, E1101fs.
Identifiers: ClinVar variation 224726 (VCV000224726.47), dbSNP rs869320764, ClinGen allele CA358732.